The following is an entry in ClinVar:

NM_000138.5(FBN1):c.2678-3C>T

Gene: FBN1 (fibrillin 1; minus strand). Cytogenetic location: 15q21.1.
Variant type: single nucleotide variant.
Coding change: c.2678-3C>T on transcript NM_000138.5 (MANE Select); 3 bases into the intron before coding-DNA position 2678, C replaced by T.
Molecular consequence: intron variant.
Genome position (GRCh38, 1-based): chr15:48,494,257, G>A on the plus strand (C>T on the coding strand, the complement: FBN1 is on the minus strand). VCF-style: chr15-48494257-G-A. GRCh37 (hg19) VCF-style: chr15-48786454-G-A.
Identifiers: ClinVar variation 380618 (VCV000380618.10), dbSNP rs747274959, ClinGen allele CA048478.

ClinVar aggregate classification (germline): Conflicting classifications of pathogenicity. Review status: criteria provided, conflicting classifications (1 of 4 stars). 6 submissions from 6 submitters: Uncertain significance (2); Likely benign (4). Last evaluated 2024-08-08.

Conditions:
Marfan syndrome (MFS). Also called: Marfan syndrome, classic; Marfan syndrome type 1; Marfan's syndrome; MARFAN SYNDROME, TYPE I; FBN1-Related Marfan Syndrome. Identifiers: Orphanet 284963, Orphanet 558, MedGen C0024796, MONDO:0007947, OMIM 154700.
Familial thoracic aortic aneurysm and aortic dissection (TAAD). Also called: Thoracic aortic aneurysms and dissections. Identifiers: Orphanet 91387, MedGen C4707243, MONDO:0019625.

Allele frequency attached by ClinVar (database versions not stated): ExAC 0.00004; gnomAD exomes 0.00007 and 0.00002; TOPMed 0.00002.
gnomAD v4.1: 25 of 1,611,964 alleles (0.0016%); highest among the groups gnomAD compares: Admixed American, 0.028%; no homozygotes.

Submissions (6):

Labcorp Genetics (formerly Invitae), Labcorp
Classification: Uncertain significance for Marfan syndrome; Familial thoracic aortic aneurysm and aortic dissection. Last evaluated: 2024-08-08. Review status: criteria provided, single submitter. Criteria: Invitae Variant Classification Sherloc (09022015). Collection method: clinical testing. Allele origin: germline.
Comment: This sequence change falls in intron 22 of the FBN1 gene. It does not directly change the encoded amino acid sequence of the FBN1 protein. It affects a nucleotide within the consensus splice site. This variant is present in population databases (rs747274959, gnomAD 0.04%), and has an allele count higher than expected for a pathogenic variant. This variant has not been reported in the literature in individuals affected with FBN1-related conditions. ClinVar contains an entry for this variant (Variation ID: 380618). Variants that disrupt the consensus splice site are a relatively common cause of aberrant splicing (PMID: 17576681, 9536098). Algorithms developed to predict the effect of sequence changes on RNA splicing suggest that this variant is not likely to affect RNA splicing. In summary, the available evidence is currently insufficient to determine the role of this variant in disease. Therefore, it has been classified as a Variant of Uncertain Significance.

Color Diagnostics, LLC DBA Color Health
Classification: Likely benign for Familial thoracic aortic aneurysm and aortic dissection. Last evaluated: 2024-01-26. Review status: criteria provided, single submitter. Criteria: ACMG Guidelines, 2015. Collection method: clinical testing. Allele origin: germline.

Women's Health and Genetics/Laboratory Corporation of America, LabCorp
Classification: Likely benign. Last evaluated: 2023-11-15. Review status: criteria provided, single submitter. Criteria: LabCorp Variant Classification Summary - May 2015. Collection method: clinical testing. Allele origin: germline.
Comment: Variant summary: FBN1 c.2678-3C>T alters a non-conserved nucleotide located close to a canonical splice site and therefore could affect mRNA splicing, leading to a significantly altered protein sequence. Consensus agreement among computation tools predict no significant impact on normal splicing. However, these predictions have yet to be confirmed by functional studies. The variant allele was found at a frequency of 7.2e-05 in 250742 control chromosomes, predominantly at a frequency of 0.00049 within the Latino subpopulation in the gnomAD database. The observed variant frequency within Latino control individuals in the gnomAD database is approximately 4.36 fold of the estimated maximal expected allele frequency for a pathogenic variant in FBN1 causing Marfan Syndrome phenotype (0.00011), strongly suggesting that the variant is a benign polymorphism found primarily in populations of Latino origin. To our knowledge, no occurrence of c.2678-3C>T in individuals affected with Marfan Syndrome and no experimental evidence demonstrating its impact on protein function have been reported. Three submitters have cited clinical-significance assessments for this variant to ClinVar after 2014: one submitter classified the variant as likely benign while two classified as VUS. Based on the evidence outlined above, the variant was classified as likely benign.

CHEO Genetics Diagnostic Laboratory, Children's Hospital of Eastern Ontario
Classification: Likely benign for Familial thoracic aortic aneurysm and aortic dissection. Last evaluated: 2023-03-10. Review status: criteria provided, single submitter. Criteria: ACMG Guidelines, 2015. Collection method: clinical testing. Allele origin: germline.

Center for Human Genetics, Inc
Classification: Uncertain significance for Marfan syndrome. Last evaluated: 2016-11-01. Review status: criteria provided, single submitter. Criteria: ACMG Guidelines, 2015. Collection method: clinical testing. Allele origin: germline. Affected: yes.

GeneDx
Classification: Likely benign. Last evaluated: 2015-09-13. Review status: criteria provided, single submitter. Criteria: GeneDx Variant Classification (06012015). Collection method: clinical testing. Allele origin: germline. Affected: yes.
Comment: This variant is considered likely benign or benign based on one or more of the following criteria: it is a conservative change, it occurs at a poorly conserved position in the protein, it is predicted to be benign by multiple in silico algorithms, and/or has population frequency not consistent with disease.

Literature cited by the submitters: PubMed 17576681 (cited by Labcorp Genetics (formerly Invitae), Labcorp); PubMed 9536098 (cited by Labcorp Genetics (formerly Invitae), Labcorp).